The following is an entry in ClinVar:

NM_000718.4(CACNA1B):c.6176G>A (p.Arg2059His)

Gene: CACNA1B (calcium voltage-gated channel subunit alpha1 B; plus strand). Cytogenetic location: 9q34.3.
Variant type: single nucleotide variant.
Coding change: c.6176G>A on transcript NM_000718.4 (MANE Select); coding-DNA position 6176, G replaced by A.
Protein change: p.Arg2059His; replaces arginine 2059 with histidine.
Molecular consequence: missense variant.
Genome position (GRCh38, 1-based): chr9:138,120,310, G>A. VCF-style: chr9-138120310-G-A. GRCh37 (hg19) VCF-style: chr9-141014762-G-A.
Other names: c.6176G>A, p.Arg2059His (NM_001243812.2); short protein forms R2059H.
Identifiers: ClinVar variation 2243317 (VCV002243317.10), dbSNP rs537248181, ClinGen allele CA5377636.
Genomic context (GRCh38, chr9:138,120,310, plus strand): 5'-CGGACCGCCCACCCCCTAGCCAGGCGTCGTCGCACCACCACCACCACCGCTGCCACCGCC[G>A]CAGGGACAGGAAGCAGAGGTCCCTGGAGAAGGGGCCCAGCCTGTCTGCCGATATGGATGG-3'
Protein context (NP_000709.1, residues 2049-2069): SHHHHHRCHR[Arg2059His]RDRKQRSLEK

ClinVar aggregate classification (germline): Conflicting classifications of pathogenicity. Review status: criteria provided, conflicting classifications (1 of 4 stars). 2 submissions from 2 submitters: Uncertain significance (1); Likely benign (1). Last evaluated 2025-08-01.

Allele frequency attached by ClinVar (database versions not stated): 1000 Genomes Project 30x 0.00016; 1000 Genomes Project 0.00020; ExAC 0.00022.
gnomAD v4.1: 53 of 1,566,246 alleles (0.0034%); highest among the groups gnomAD compares: South Asian, 0.051%; 2 homozygotes.

Submissions (2):

CeGaT Center for Human Genetics Tuebingen
Classification: Likely benign. Last evaluated: 2025-08-01. Review status: criteria provided, single submitter. Criteria: CeGaT Center For Human Genetics Tuebingen Variant Classification Criteria Version 2. Collection method: clinical testing. Allele origin: germline. Affected: yes. Observed: 1 variant allele.
Comment: CACNA1B: BS2

Ambry Genetics
Classification: Uncertain significance. Last evaluated: 2021-08-12. Review status: criteria provided, single submitter. Criteria: Ambry Variant Classification Scheme 2023. Collection method: clinical testing. Allele origin: germline.